The following is an entry in ClinVar:

ClinVar aggregate classification (germline): Uncertain significance (1 of 4 stars; one submission).

Conditions:
Amyotrophic lateral sclerosis type 6. Also called: FUS-Related Amyotrophic Laterial Sclerosis; AMYOTROPHIC LATERAL SCLEROSIS 6 WITHOUT FRONTOTEMPORAL DEMENTIA; Amyotrophic lateral sclerosis 6, with or without frontotemporal dementia. Identifiers: Orphanet 275872, Orphanet 803, MedGen C2931786, MONDO:0011951, OMIM 608030.
Tremor, hereditary essential, 4 (ETM4). Identifiers: MedGen C3539195, MONDO:0013888, OMIM 614782.

Submission:

Labcorp Genetics (formerly Invitae), Labcorp
Classification: Uncertain significance for Tremor, hereditary essential, 4; Amyotrophic lateral sclerosis type 6. Last evaluated: 2025-12-08. Review status: criteria provided, single submitter. Criteria: Invitae Variant Classification Sherloc (09022015). Collection method: clinical testing. Allele origin: germline.
Comment: This sequence change replaces proline, which is neutral and non-polar, with leucine, which is neutral and non-polar, at codon 72 of the FUS protein (p.Pro72Leu). This variant is not present in population databases (gnomAD no frequency). This variant has not been reported in the literature in individuals affected with FUS-related conditions. ClinVar contains an entry for this variant (Variation ID: 1357166). Experimental studies and prediction algorithms are not available or were not evaluated, and the functional significance of this variant is currently unknown. In summary, the available evidence is currently insufficient to determine the role of this variant in disease. Therefore, it has been classified as a Variant of Uncertain Significance.

NM_004960.4(FUS):c.215C>T (p.Pro72Leu)

Gene: FUS (FUS RNA binding protein; plus strand). Cytogenetic location: 16p11.2.
Variant type: single nucleotide variant.
Coding change: c.215C>T on transcript NM_004960.4 (MANE Select); coding-DNA position 215, C replaced by T.
Protein change: p.Pro72Leu; replaces proline 72 with leucine.
Molecular consequence: missense variant. On other transcripts: non-coding transcript variant (1).
Genome position (GRCh38, 1-based): chr16:31,183,882, C>T. VCF-style: chr16-31183882-C-T. GRCh37 (hg19) VCF-style: chr16-31195203-C-T.
Other names: c.212C>T, p.Pro71Leu (NM_001170634.1); c.215C>T, p.Pro72Leu (NM_001170937.1); short protein forms P71L, P72L.
Identifiers: ClinVar variation 1357166 (VCV001357166.8), dbSNP rs2144107259, ClinGen allele CA395666497.